The following is an entry in ClinVar:

NM_033400.3(ZFHX2):c.337C>T (p.His113Tyr)

Genes: THTPA (thiamine triphosphatase; plus strand), ZFHX2 (zinc finger homeobox 2; minus strand). Cytogenetic location: 14q11.2.
Variant type: single nucleotide variant.
Coding change: c.337C>T on transcript NM_033400.3 (MANE Select); coding-DNA position 337, C replaced by T.
Protein change: p.His113Tyr; replaces histidine 113 with tyrosine.
Molecular consequence: missense variant.
Genome position (GRCh38, 1-based): chr14:23,534,989, G>A on the plus strand (C>T on the coding strand, the complement: ZFHX2 is on the minus strand). VCF-style: chr14-23534989-G-A. GRCh37 (hg19) VCF-style: chr14-24004198-G-A.
Other names: short protein forms H113Y.
Identifiers: ClinVar variation 3902216 (VCV003902216.1).

ClinVar aggregate classification (germline): Uncertain significance (1 of 4 stars; one submission).

gnomAD v4.1: 2 of 1,536,160 alleles (0.00013%); highest among the groups gnomAD compares: Non-Finnish European, 0.00017%; no homozygotes.

Submission:

Women's Health and Genetics/Laboratory Corporation of America, LabCorp
Classification: Uncertain significance. Last evaluated: 2025-05-14. Review status: criteria provided, single submitter. Criteria: LabCorp Variant Classification Summary - May 2015. Collection method: clinical testing. Allele origin: germline.
Comment: Variant summary: ZFHX2 c.337C>T (p.His113Tyr) results in a conservative amino acid change in the encoded protein sequence. Algorithms developed to predict the effect of missense changes on protein structure and function all suggest that this variant is likely to be tolerated. The variant was absent in 137228 control chromosomes. The available data on variant occurrences in the general population are insufficient to allow any conclusion about variant significance. To our knowledge, no occurrence of c.337C>T in individuals affected with Indifference to pain, congenital, autosomal dominant and no experimental evidence demonstrating its impact on protein function have been reported. No submitters have cited clinical-significance assessments for this variant to ClinVar. Based on the evidence outlined above, the variant was classified as uncertain significance.